The following is an entry in ClinVar:

ClinVar aggregate classification (germline): Likely pathogenic (1 of 4 stars; one submission).

Conditions:
Menkes kinky-hair syndrome (MNK). Also called: Classic Menkes Disease; Menkes Disease; Copper transport disease. Identifiers: Orphanet 565, MedGen C0022716, MONDO:0010651, OMIM 309400.
X-linked distal spinal muscular atrophy type 3. Also called: ATP7A-Related Distal Motor Neuropathy; SPINAL MUSCULAR ATROPHY, DISTAL, X-LINKED RECESSIVE; NEURONOPATHY, DISTAL HEREDITARY MOTOR, X-LINKED; NEUROPATHY, DISTAL HEREDITARY MOTOR, X-LINKED. Identifiers: Orphanet 139557, MedGen C1845359, MONDO:0010338, OMIM 300489.
Cutis laxa, X-linked (OHS). Also called: EDS IX; Occipital horn syndrome. Identifiers: Orphanet 198, MedGen C0268353, MONDO:0010572, OMIM 304150.

Submission:

Juno Genomics, Hangzhou Juno Genomics, Inc
Classification: Likely pathogenic for X-linked distal spinal muscular atrophy type 3; Menkes kinky-hair syndrome; Cutis laxa, X-linked. Review status: criteria provided, single submitter. Criteria: ACMG Guidelines, 2015. Collection method: clinical testing. Allele origin: germline.
Comment: Null variant in a gene where loss of function (LOF) is a known mechanism of disease.;Absent from controls (or at extremely low frequency if recessive) in Genome Aggregation Database.

NM_000052.7(ATP7A):c.470C>A (p.Ser157Ter)

Gene: ATP7A (ATPase copper transporting alpha; plus strand). Cytogenetic location: Xq21.1.
Variant type: single nucleotide variant.
Coding change: c.470C>A on transcript NM_000052.7 (MANE Select); coding-DNA position 470, C replaced by A.
Protein change: p.Ser157Ter; replaces serine 157 with a stop codon.
Molecular consequence: nonsense.
Genome position (GRCh38, 1-based): chrX:77,988,591, C>A. VCF-style: chrX-77988591-C-A. GRCh37 (hg19) VCF-style: chrX-77244087-C-A.
Other names: c.470C>A, p.Ser157Ter (NM_001282224.2); short protein forms S157*.
Identifiers: ClinVar variation 5007604 (VCV005007604.2).
Genomic context (GRCh38, chrX:77,988,591, plus strand): 5'-ATCAGATAAAAGAGCTGGTTCCAGAACTCAGTTTAGATACTGGGACACTGGAGAAAAAGT[C>A]AGGAGCTTGTGAAGATCATAGTATGGCTCAAGCTGGTGAAGTCGTGCTGAAGATGAAAGT-3'